The following is an entry in ClinVar:

NM_012463.4(ATP6V0A2):c.1515_1516inv (p.Asp506Asn)

Gene: ATP6V0A2 (ATPase H+ transporting V0 subunit a2; plus strand). Cytogenetic location: 12q24.31.
Variant type: Inversion.
Coding change: c.1515_1516inv on transcript NM_012463.4 (MANE Select).
Protein change: p.Asp506Asn; replaces aspartic acid 506 with asparagine.
Molecular consequence: missense variant.
Genome position: GRCh38 VCF-style: chr12-123744882-TG-CA. GRCh37 (hg19) VCF-style: chr12-124229429-TG-CA.
Other names: short protein forms D506N.
Identifiers: ClinVar variation 1460826 (VCV001460826.5), ClinGen allele CA2573148070.

ClinVar aggregate classification (germline): Uncertain significance (1 of 4 stars; one submission).

Conditions:
ALG9 congenital disorder of glycosylation (CDG1L). Also called: CONGENITAL DISORDER OF GLYCOSYLATION, TYPE Il; ALG9-CDG; CDG Il. Identifiers: Orphanet 79328, MedGen C2931006, MONDO:0012117, OMIM 608776.

Submission:

Labcorp Genetics (formerly Invitae), Labcorp
Classification: Uncertain significance for ALG9 congenital disorder of glycosylation. Last evaluated: 2021-10-29. Review status: criteria provided, single submitter. Criteria: Invitae Variant Classification Sherloc (09022015). Collection method: clinical testing. Allele origin: germline.
Comment: Algorithms developed to predict the effect of sequence changes on RNA splicing suggest that this variant may create or strengthen a splice site. In summary, the available evidence is currently insufficient to determine the role of this variant in disease. Therefore, it has been classified as a Variant of Uncertain Significance. This variant has not been reported in the literature in individuals affected with ATP6V0A2-related conditions. Information on the frequency of this variant in the gnomAD database is not available, as this variant may be reported differently in the database. This sequence change replaces aspartic acid, which is acidic and polar, with asparagine, which is neutral and polar, at codon 506 of the ATP6V0A2 protein (p.Asp506Asn).